The following is an entry in ClinVar:

ClinVar aggregate classification (germline): Benign. Review status: criteria provided, multiple submitters, no conflicts (2 of 4 stars). 2 submissions from 2 submitters: Benign (2). Last evaluated 2018-06-15.

Allele frequency attached by ClinVar (database versions not stated): 1000 Genomes Project 30x 0.04435; 1000 Genomes Project 0.04513; TOPMed 0.05307; gnomAD 0.05905 and 0.05991; gnomAD exomes 0.07618.
gnomAD v4.1: 60,137 of 825,498 alleles (7.3%); highest among the groups gnomAD compares: South Asian, 10%; 2,588 homozygotes.

Submissions (2):

GeneDx
Classification: Benign. Last evaluated: 2018-06-15. Review status: criteria provided, single submitter. Criteria: GeneDx Variant Classification (06012015). Collection method: clinical testing. Allele origin: germline. Affected: yes.
Comment: This variant is considered likely benign or benign based on one or more of the following criteria: it is a conservative change, it occurs at a poorly conserved position in the protein, it is predicted to be benign by multiple in silico algorithms, and/or has population frequency not consistent with disease.

Breakthrough Genomics
Classification: Benign. Review status: criteria provided, single submitter. Criteria: ACMG Guidelines, 2015. Collection method: not provided. Allele origin: germline. Inheritance: Autosomal recessive inheritance. Affected: yes.

NM_000601.6(HGF):c.1616+71G>T

Gene: HGF (hepatocyte growth factor; minus strand). Cytogenetic location: 7q21.11.
Variant type: single nucleotide variant.
Coding change: c.1616+71G>T on transcript NM_000601.6 (MANE Select); 71 bases into the intron after coding-DNA position 1616, G replaced by T.
Molecular consequence: intron variant.
Genome position (GRCh38, 1-based): chr7:81,707,219, C>A on the plus strand (G>T on the coding strand, the complement: HGF is on the minus strand). VCF-style: chr7-81707219-C-A. GRCh37 (hg19) VCF-style: chr7-81336535-C-A.
Other names: c.1601+71G>T (NM_001010932.3).
Identifiers: ClinVar variation 682779 (VCV000682779.2), dbSNP rs5745745, ClinGen allele CA161108130.